The following is an entry in ClinVar:

ClinVar aggregate classification (germline): Conflicting classifications of pathogenicity. Review status: criteria provided, conflicting classifications (1 of 4 stars). 3 submissions from 3 submitters: Likely pathogenic (1); Uncertain significance (1). 1 of the submissions does not count toward it. Last evaluated 2025-08-08.

Conditions:
Primary hyperoxaluria type 3. Also called: PH III. Identifiers: Orphanet 416, Orphanet 93600, MedGen C3150878, MONDO:0013327, OMIM 613616. Disease mechanism: loss of function.

Allele frequency attached by ClinVar (database versions not stated): TOPMed below 0.00001.

Submissions (3):

Myriad Genetics, Inc.
Classification: Uncertain significance for Primary hyperoxaluria type 3. Last evaluated: 2025-08-08. Review status: criteria provided, single submitter. Criteria: Myriad Autosomal Dominant, Autosomal Recessive and X-Linked Classification Criteria (2023). Collection method: clinical testing. Allele origin: unknown.
Comment: NM_138413.3(HOGA1):c.308A>T(N103I) is a missense variant classified as a variant of uncertain significance in the context of primary hyperoxaluria type 3. N103I has been observed in a case with relevant disease (PMID: 25644115). Relevant functional assessments of this variant are not available in the literature. N103I has not been observed in referenced population frequency databases. In summary, there is insufficient evidence to classify NM_138413.3(HOGA1):c.308A>T(N103I) as pathogenic or benign. Please note: this variant was assessed in the context of healthy population screening.

Labcorp Genetics (formerly Invitae), Labcorp
Classification: Likely pathogenic. Last evaluated: 2023-01-18. Review status: criteria provided, single submitter. Criteria: Invitae Variant Classification Sherloc (09022015). Collection method: clinical testing. Allele origin: germline.
Comment: This sequence change replaces asparagine, which is neutral and polar, with isoleucine, which is neutral and non-polar, at codon 103 of the HOGA1 protein (p.Asn103Ile). This variant is not present in population databases (gnomAD no frequency). In summary, the currently available evidence indicates that the variant is pathogenic, but additional data are needed to prove that conclusively. Therefore, this variant has been classified as Likely Pathogenic. Advanced modeling of protein sequence and biophysical properties (such as structural, functional, and spatial information, amino acid conservation, physicochemical variation, residue mobility, and thermodynamic stability) has been performed at Invitae for this missense variant, however the output from this modeling did not meet the statistical confidence thresholds required to predict the impact of this variant on HOGA1 protein function. ClinVar contains an entry for this variant (Variation ID: 204281). This missense change has been observed in individual(s) with primary hyperoxaluria type 3 (PMID: 25644115). In at least one individual the data is consistent with being in trans (on the opposite chromosome) from a pathogenic variant.

Clinical Biochemistry Laboratory, Health Services Laboratory
Classification: Pathogenic for Primary hyperoxaluria, type III. Last evaluated: 2014-11-27. Review status: no assertion criteria provided. Collection method: research. Allele origin: germline. Affected: yes. Not counted in ClinVar's aggregate classification.
Comment: Prediction (affect protein/benign)

Literature cited by the submitters: PubMed 25644115 (cited by 3 submitters).

NM_138413.4(HOGA1):c.308A>T (p.Asn103Ile)

Gene: HOGA1 (4-hydroxy-2-oxoglutarate aldolase 1; plus strand). Cytogenetic location: 10q24.2.
Variant type: single nucleotide variant.
Coding change: c.308A>T on transcript NM_138413.4 (MANE Select); coding-DNA position 308, A replaced by T.
Protein change: p.Asn103Ile; replaces asparagine 103 with isoleucine.
Molecular consequence: missense variant. On other transcripts: intron variant (1).
Genome position (GRCh38, 1-based): chr10:97,598,871, A>T. VCF-style: chr10-97598871-A-T. GRCh37 (hg19) VCF-style: chr10-99358628-A-T.
Other names: c.212-2986A>T (NM_001134670.2); short protein forms N103I.
Identifiers: ClinVar variation 204281 (VCV000204281.7), dbSNP rs796052089, ClinGen allele CA203972.